The following is an entry in ClinVar:

GRCh38/hg38 16p11.2(chr16:29584162-30204300)x1

Genes: ALDOA (aldolase, fructose-bisphosphate A; plus strand), ASPHD1 (aspartate beta-hydroxylase domain containing 1; plus strand), BOLA2B (bolA family member 2B; minus strand), C16orf54 (chromosome 16 open reading frame 54; minus strand), CDIPT (CDP-diacylglycerol--inositol 3-phosphatidyltransferase; minus strand) and 108 more. Cytogenetic location: 16p11.2.
Variant type: copy number loss.
Change: copy number 1 (one copy instead of two) of chr16:29,584,162-30,204,300 (620.1 kb, GRCh38 coordinates, 1-based), cytogenetic band 16p11.2.
Identifiers: ClinVar variation 4852027 (VCV004852027.1).

ClinVar aggregate classification (germline): Pathogenic (1 of 4 stars; one submission).

Submission:

Clinical Genomics Laboratory, Laboratory for Precision Diagnostics, University of Washington
Classification: Pathogenic. Last evaluated: 2022-02-14. Review status: criteria provided, single submitter. Criteria: ACMG/ClinGen CNV Guidelines, 2019. Collection method: clinical testing. Allele origin: unknown. Affected: yes. Observed: 1 variant allele.
Comment: This deletion is approximately 620 kb in size and contains 30 protein-coding genes, including PRRT2. The recurrent 16p11.2 microdeletion syndrome is characterized by macrocephaly, delayed motor and language development, variable intellectual disability, psychiatric and behavioral disorders, and/or autism spectrum disorder. While most or all individuals with this deletion experience some degree of developmental delay, the severity varies. Seizures occur in about 20% of people with this deletion. Obesity starting in adolescence is also seen with increased frequency amongst people with the 16p11.2 microdeletion. The incidence of congenital anomalies appears to be slightly higher than in the general population, with vertebral differences being the most frequent.

Literature cited by the submitters: PubMed 25064419; PubMed 30836598; PubMed 27410714.